The following is an entry in ClinVar:

ClinVar aggregate classification (germline): Conflicting classifications of pathogenicity. Review status: criteria provided, conflicting classifications (1 of 4 stars). 3 submissions from 3 submitters: Uncertain significance (2); Likely benign (1). Last evaluated 2024-04-08.

Conditions:
Hereditary cancer-predisposing syndrome. Also called: Tumor predisposition; Neoplastic Syndromes, Hereditary; Hereditary Cancer Syndrome; Hereditary neoplastic syndrome. Identifiers: Orphanet 140162, MedGen C0027672, MeSH D009386, MONDO:0015356.
Hereditary diffuse gastric adenocarcinoma (HDGC). Also called: DIFFUSE GASTRIC AND LOBULAR BREAST CANCER SYNDROME. Identifiers: Orphanet 26106, MedGen C1708349, MONDO:0007648, OMIM 137215.

Allele frequency attached by ClinVar (database versions not stated): gnomAD exomes below 0.00001.
gnomAD v4.1: 1 of 1,614,198 alleles (0.000062%); highest among the groups gnomAD compares: Non-Finnish European, 0.000085%; no homozygotes.

Submissions (3):

Labcorp Genetics (formerly Invitae), Labcorp
Classification: Uncertain significance for Hereditary diffuse gastric adenocarcinoma. Last evaluated: 2024-04-08. Review status: criteria provided, single submitter. Criteria: Invitae Variant Classification Sherloc (09022015). Collection method: clinical testing. Allele origin: germline.
Comment: This sequence change replaces isoleucine, which is neutral and non-polar, with valine, which is neutral and non-polar, at codon 393 of the CDH1 protein (p.Ile393Val). This variant is not present in population databases (gnomAD no frequency). This variant has not been reported in the literature in individuals affected with CDH1-related conditions. ClinVar contains an entry for this variant (Variation ID: 486825). Algorithms developed to predict the effect of missense changes on protein structure and function output the following: SIFT: "Not Available"; PolyPhen-2: "Benign"; Align-GVGD: "Not Available". The valine amino acid residue is found in multiple mammalian species, which suggests that this missense change does not adversely affect protein function. In summary, the available evidence is currently insufficient to determine the role of this variant in disease. Therefore, it has been classified as a Variant of Uncertain Significance.

Ambry Genetics
Classification: Likely benign for Hereditary cancer-predisposing syndrome. Last evaluated: 2024-02-12. Review status: criteria provided, single submitter. Criteria: Ambry Variant Classification Scheme 2023. Collection method: clinical testing. Allele origin: germline.

Color Diagnostics, LLC DBA Color Health
Classification: Uncertain significance for Hereditary cancer-predisposing syndrome. Last evaluated: 2023-12-05. Review status: criteria provided, single submitter. Criteria: ACMG Guidelines, 2015. Collection method: clinical testing. Allele origin: germline.
Comment: This missense variant replaces isoleucine with valine at codon 393 of the CDH1 protein. To our knowledge, functional studies have not been reported for this variant. This variant has not been reported in individuals affected with CDH1-related disorders in the literature. This variant has not been identified in the general population by the Genome Aggregation Database (gnomAD). The available evidence is insufficient to determine the role of this variant in disease conclusively. Therefore, this variant is classified as a Variant of Uncertain Significance.

NM_004360.5(CDH1):c.1177A>G (p.Ile393Val)

Gene: CDH1 (cadherin 1; plus strand). Cytogenetic location: 16q22.1.
Variant type: single nucleotide variant.
Coding change: c.1177A>G on transcript NM_004360.5 (MANE Select); coding-DNA position 1177, A replaced by G.
Protein change: p.Ile393Val; replaces isoleucine 393 with valine.
Molecular consequence: missense variant. On other transcripts: 5 prime UTR variant (2), intron variant (1).
Genome position (GRCh38, 1-based): chr16:68,813,352, A>G. VCF-style: chr16-68813352-A-G. GRCh37 (hg19) VCF-style: chr16-68847255-A-G.
Other names: c.1177A>G (LRG_301t1); c.-439A>G (NM_001317185.2); c.-643A>G (NM_001317186.2); c.1137+1089A>G (NM_001317184.2); short protein forms I393V.
Identifiers: ClinVar variation 486825 (VCV000486825.17), dbSNP rs1555515877, ClinGen allele CA396461183.
Genomic context (GRCh38, chr16:68,813,352, plus strand): 5'-ACACATCTCTTTGCTCTGCAGTACAAGGGTCAGGTGCCTGAGAACGAGGCTAACGTCGTA[A>G]TCACCACACTGAAAGTGACTGATGCTGATGCCCCCAATACCCCAGCGTGGGAGGCTGTAT-3'
Protein context (NP_004351.1, residues 383-403): QVPENEANVV[Ile393Val]TTLKVTDADA